The following is an entry in ClinVar:

ClinVar aggregate classification (germline): Uncertain significance. Review status: criteria provided, multiple submitters, no conflicts (2 of 4 stars). 3 submissions from 3 submitters: Uncertain significance (3). Last evaluated 2025-06-06.

Conditions:
Basal cell carcinoma, susceptibility to, 1. Also called: BCC1. Identifiers: MedGen C2751544, MONDO:0011556, OMIM 605462.
Gorlin syndrome. Also called: Basal cell nevus syndrome; Nevoid Basal Cell Carcinoma Syndrome. Identifiers: Orphanet 377, MedGen C0004779, MONDO:0007187.
Hereditary cancer-predisposing syndrome. Also called: Neoplastic Syndromes, Hereditary; Hereditary Cancer Syndrome; Tumor predisposition; Hereditary neoplastic syndrome. Identifiers: Orphanet 140162, MedGen C0027672, MeSH D009386, MONDO:0015356.

Submissions (3):

Ambry Genetics
Classification: Uncertain significance for Hereditary cancer-predisposing syndrome. Last evaluated: 2025-06-06. Review status: criteria provided, single submitter. Criteria: Ambry Variant Classification Scheme 2023. Collection method: clinical testing. Allele origin: germline.
Comment: The p.G29R variant (also known as c.85G>A), located in coding exon 1 of the PTCH1 gene, results from a G to A substitution at nucleotide position 85. The glycine at codon 29 is replaced by arginine, an amino acid with dissimilar properties. This amino acid position is well conserved in available vertebrate species. In addition, this alteration is predicted to be tolerated by in silico analysis. Based on the available evidence, the clinical significance of this variant remains unclear.

Baylor Genetics
Classification: Uncertain significance for Basal cell carcinoma, susceptibility to, 1. Last evaluated: 2023-09-27. Review status: criteria provided, single submitter. Criteria: ACMG Guidelines, 2015. Collection method: clinical testing. Allele origin: unknown.

Labcorp Genetics (formerly Invitae), Labcorp
Classification: Uncertain significance for Gorlin syndrome. Last evaluated: 2022-10-06. Review status: criteria provided, single submitter. Criteria: Invitae Variant Classification Sherloc (09022015). Collection method: clinical testing. Allele origin: germline.
Comment: This sequence change replaces glycine, which is neutral and non-polar, with arginine, which is basic and polar, at codon 29 of the PTCH1 protein (p.Gly29Arg). This variant is not present in population databases (gnomAD no frequency). This variant has not been reported in the literature in individuals affected with PTCH1-related conditions. ClinVar contains an entry for this variant (Variation ID: 1435031). Advanced modeling of protein sequence and biophysical properties (such as structural, functional, and spatial information, amino acid conservation, physicochemical variation, residue mobility, and thermodynamic stability) performed at Invitae indicates that this missense variant is not expected to disrupt PTCH1 protein function. In summary, the available evidence is currently insufficient to determine the role of this variant in disease. Therefore, it has been classified as a Variant of Uncertain Significance.

NM_000264.5(PTCH1):c.85G>A (p.Gly29Arg)

Genes: PTCH1 (patched 1; minus strand), LOC130002133 (ATAC-STARR-seq lymphoblastoid silent region 20071; plus strand). Cytogenetic location: 9q22.32.
Variant type: single nucleotide variant.
Coding change: c.85G>A on transcript NM_000264.5 (MANE Select); coding-DNA position 85, G replaced by A.
Protein change: p.Gly29Arg; replaces glycine 29 with arginine.
Molecular consequence: missense variant. On other transcripts: non-coding transcript variant (1), intron variant (3).
Genome position (GRCh38, 1-based): chr9:95,508,277, C>T on the plus strand (G>A on the coding strand, the complement: PTCH1 is on the minus strand). VCF-style: chr9-95508277-C-T. GRCh37 (hg19) VCF-style: chr9-98270559-C-T.
Other names: c.85G>A, p.Gly29Arg (NM_001354918.2); c.199-1678G>A (NM_001083603.3); c.85G>A (NM_000264.3); c.4-1678G>A (NM_001083602.3, NM_001354919.2); short protein forms G29R.
Identifiers: ClinVar variation 1435031 (VCV001435031.15), dbSNP rs2118909022, ClinGen allele CA374121453.